The following is an entry in ClinVar:

ClinVar aggregate classification (germline): Uncertain significance (1 of 4 stars; one submission).

Conditions:
Intellectual developmental disorder, autosomal dominant 69 (MRD69). Also called: MENTAL RETARDATION, AUTOSOMAL DOMINANT 69. Identifiers: MedGen C5676896, MONDO:0029465, OMIM 617863.

gnomAD v4.1: 1 of 1,611,444 alleles (0.000062%); highest among the groups gnomAD compares: Non-Finnish European, 0.000085%; no homozygotes.

Submission:

OLLIN Analises Genomicas, OLLIN
Classification: Uncertain significance for Intellectual developmental disorder, autosomal dominant 69. Last evaluated: 2026-08-06. Review status: criteria provided, single submitter. Criteria: ACMG Guidelines 2015 PMID 25741868. Collection method: clinical testing. Allele origin: germline.
Comment: This missense variant, located in exon 3 (of 8), has been observed in gnomAD with an allele frequency of 0.000062%, but has not been reported in ClinVar or identified in the literature. In silico analysis is inconclusive regarding the impact of this variant. According to the currently available evidence, this variant has been classified as uncertain significance (PM2_P).

NM_030805.4(LMAN2L):c.328G>A (p.Glu110Lys)

Gene: LMAN2L (lectin, mannose binding 2 like; minus strand). Cytogenetic location: 2q11.2.
Variant type: single nucleotide variant.
Coding change: c.328G>A on transcript NM_030805.4 (MANE Select); coding-DNA position 328, G replaced by A.
Protein change: p.Glu110Lys; replaces glutamic acid 110 with lysine.
Molecular consequence: missense variant. On other transcripts: 5 prime UTR variant (8).
Genome position (GRCh38, 1-based): chr2:96,734,505, C>T on the plus strand (G>A on the coding strand, the complement: LMAN2L is on the minus strand). VCF-style: chr2-96734505-C-T. GRCh37 (hg19) VCF-style: chr2-97400242-C-T.
Other names: c.328G>A, p.Glu110Lys (NM_001142292.2); c.-25G>A (NM_001322346.2, NM_001322351.2, NM_001322354.2 and 2 more transcripts); c.-87G>A (NM_001322347.2, NM_001322350.2, NM_001322352.2); short protein forms E110K.
Identifiers: ClinVar variation 5002957 (VCV005002957.1).